The following is an entry in ClinVar:

NM_000368.5(TSC1):c.908G>C (p.Ser303Thr)

Gene: TSC1 (TSC complex subunit 1; minus strand). Cytogenetic location: 9q34.13.
Variant type: single nucleotide variant.
Coding change: c.908G>C on transcript NM_000368.5 (MANE Select); coding-DNA position 908, G replaced by C.
Protein change: p.Ser303Thr; replaces serine 303 with threonine.
Molecular consequence: missense variant. On other transcripts: 5 prime UTR variant (5), non-coding transcript variant (5).
Genome position (GRCh38, 1-based): chr9:132,912,287, C>G on the plus strand (G>C on the coding strand, the complement: TSC1 is on the minus strand). VCF-style: chr9-132912287-C-G. GRCh37 (hg19) VCF-style: chr9-135787674-C-G.
Other names: c.908G>C, p.Ser303Thr (NM_001406608.1, NM_001406609.1, NM_001162426.2 and 16 more transcripts); c.755G>C, p.Ser252Thr (NM_001406610.1, NM_001406611.1, NM_001406612.1 and 2 more transcripts); c.545G>C, p.Ser182Thr (NM_001406614.1, NM_001406615.1, NM_001406616.1 and 10 more transcripts); c.-44G>C (NM_001406626.1, NM_001406627.1, NM_001406628.1); c.-186G>C (NM_001406629.1, NM_001406630.1); short protein forms S182T, S252T, S303T.
Identifiers: ClinVar variation 4866035 (VCV004866035.1).
Genomic context (GRCh38, chr9:132,912,287, plus strand): 5'-AATGTTTTCCAGAGACAAAGTTGCAAAACAGATAAGTACCAAAGACACTTTTTACCATAG[C>G]TATTCTGTGTGTCAGCATAAGGGCTGGTGGTGACATCGGCTGAACGATGAGGAAAGCGGG-3'
Protein context (NP_000359.1, residues 293-313): TTSPYADTQN[Ser303Thr]YGCATSTPYS

ClinVar aggregate classification (germline): Uncertain significance (1 of 4 stars; one submission).

Conditions:
Hereditary cancer-predisposing syndrome. Also called: Neoplastic Syndromes, Hereditary; Tumor predisposition; Hereditary Cancer Syndrome; Hereditary neoplastic syndrome. Identifiers: Orphanet 140162, MedGen C0027672, MeSH D009386, MONDO:0015356.

Submission:

Ambry Genetics
Classification: Uncertain significance for Hereditary cancer-predisposing syndrome. Last evaluated: 2026-05-02. Review status: criteria provided, single submitter. Criteria: Ambry Variant Classification Scheme 2023. Collection method: clinical testing. Allele origin: germline.
Comment: The p.S303T variant (also known as c.908G>C), located in coding exon 7 of the TSC1 gene, results from a G to C substitution at nucleotide position 908. The serine at codon 303 is replaced by threonine, an amino acid with similar properties. This amino acid position is conserved. In addition, the in silico prediction for this alteration is inconclusive. Based on the available evidence, the clinical significance of this variant remains unclear.